The following is an entry in ClinVar:

ClinVar aggregate classification (germline): Uncertain significance (1 of 4 stars; one submission).

gnomAD v4.1: 6 of 1,614,230 alleles (0.00037%); highest among the groups gnomAD compares: Non-Finnish European, 0.00051%; no homozygotes.

Submission:

Labcorp Genetics (formerly Invitae), Labcorp
Classification: Uncertain significance. Last evaluated: 2022-06-09. Review status: criteria provided, single submitter. Criteria: Invitae Variant Classification Sherloc (09022015). Collection method: clinical testing. Allele origin: germline.
Comment: This sequence change replaces asparagine, which is neutral and polar, with lysine, which is basic and polar, at codon 563 of the MYH3 protein (p.Asn563Lys). In summary, the available evidence is currently insufficient to determine the role of this variant in disease. Therefore, it has been classified as a Variant of Uncertain Significance. Algorithms developed to predict the effect of missense changes on protein structure and function (SIFT, PolyPhen-2, Align-GVGD) all suggest that this variant is likely to be disruptive. This variant has not been reported in the literature in individuals affected with MYH3-related conditions. This variant is not present in population databases (gnomAD no frequency).

NM_002470.4(MYH3):c.1689C>A (p.Asn563Lys)

Gene: MYH3 (myosin heavy chain 3; minus strand). Cytogenetic location: 17p13.1.
Variant type: single nucleotide variant.
Coding change: c.1689C>A on transcript NM_002470.4 (MANE Select); coding-DNA position 1689, C replaced by A.
Protein change: p.Asn563Lys; replaces asparagine 563 with lysine.
Molecular consequence: missense variant.
Genome position (GRCh38, 1-based): chr17:10,642,616, G>T on the plus strand (C>A on the coding strand, the complement: MYH3 is on the minus strand). VCF-style: chr17-10642616-G-T. GRCh37 (hg19) VCF-style: chr17-10545933-G-T.
Other names: short protein forms N563K.
Identifiers: ClinVar variation 1953850 (VCV001953850.5), dbSNP rs2074283577, ClinGen allele CA398171707.